The following is an entry in ClinVar:

NM_006204.4(PDE6C):c.455C>T (p.Thr152Ile)

Gene: PDE6C (phosphodiesterase 6C; plus strand). Cytogenetic location: 10q23.33.
Variant type: single nucleotide variant.
Coding change: c.455C>T on transcript NM_006204.4 (MANE Select); coding-DNA position 455, C replaced by T.
Protein change: p.Thr152Ile; replaces threonine 152 with isoleucine.
Molecular consequence: missense variant.
Genome position (GRCh38, 1-based): chr10:93,613,180, C>T. VCF-style: chr10-93613180-C-T. GRCh37 (hg19) VCF-style: chr10-95372937-C-T.
Other names: c.455C>T (NM_006204.3); short protein forms T152I.
Identifiers: ClinVar variation 1415674 (VCV001415674.7), dbSNP rs747712973, ClinGen allele CA5609839.

ClinVar aggregate classification (germline): Uncertain significance. Review status: criteria provided, multiple submitters, no conflicts (2 of 4 stars). 2 submissions from 2 submitters: Uncertain significance (2). Last evaluated 2024-12-09.

Conditions:
Inborn genetic diseases. Identifiers: MedGen C0950123, MeSH D030342.

Allele frequency attached by ClinVar (database versions not stated): ExAC 0.00001; TOPMed 0.00001; gnomAD exomes 0.00002 and 0.00003.
gnomAD v4.1: 38 of 1,613,782 alleles (0.0024%); highest among the groups gnomAD compares: Non-Finnish European, 0.0031%; no homozygotes.

Submissions (2):

Ambry Genetics
Classification: Uncertain significance for Inborn genetic diseases. Last evaluated: 2024-12-09. Review status: criteria provided, single submitter. Criteria: Ambry Variant Classification Scheme 2023. Collection method: clinical testing. Allele origin: germline.

Labcorp Genetics (formerly Invitae), Labcorp
Classification: Uncertain significance. Last evaluated: 2022-07-09. Review status: criteria provided, single submitter. Criteria: Invitae Variant Classification Sherloc (09022015). Collection method: clinical testing. Allele origin: germline.
Comment: This sequence change replaces threonine, which is neutral and polar, with isoleucine, which is neutral and non-polar, at codon 152 of the PDE6C protein (p.Thr152Ile). This variant is present in population databases (rs747712973, gnomAD 0.003%). This variant has not been reported in the literature in individuals affected with PDE6C-related conditions. ClinVar contains an entry for this variant (Variation ID: 1415674). Algorithms developed to predict the effect of missense changes on protein structure and function (SIFT, PolyPhen-2, Align-GVGD) all suggest that this variant is likely to be tolerated. In summary, the available evidence is currently insufficient to determine the role of this variant in disease. Therefore, it has been classified as a Variant of Uncertain Significance.